The following is an entry in ClinVar:

NM_001127222.2(CACNA1A):c.6339+12G>A

Gene: CACNA1A (calcium voltage-gated channel subunit alpha1 A; minus strand). Cytogenetic location: 19p13.13.
Variant type: single nucleotide variant.
Coding change: c.6339+12G>A on transcript NM_001127222.2 (MANE Select); 12 bases into the intron after coding-DNA position 6339, G replaced by A.
Molecular consequence: intron variant.
Genome position (GRCh38, 1-based): chr19:13,210,605, C>T on the plus strand (G>A on the coding strand, the complement: CACNA1A is on the minus strand). VCF-style: chr19-13210605-C-T. GRCh37 (hg19) VCF-style: chr19-13321419-C-T.
Other names: c.6342+12G>A (NM_001127221.2); c.6348+12G>A (NM_001174080.2); c.6357+12G>A (NM_000068.4, NM_023035.3).
Identifiers: ClinVar variation 509092 (VCV000509092.9), dbSNP rs371246823, ClinGen allele CA9239382.

ClinVar aggregate classification (germline): Likely benign. Review status: criteria provided, multiple submitters, no conflicts (2 of 4 stars). 2 submissions from 2 submitters: Likely benign (2). Last evaluated 2025-10-06.

Conditions:
Developmental and epileptic encephalopathy, 42 (DEE42A). Also called: Epileptic encephalopathy, early infantile, 42; DEVELOPMENTAL AND EPILEPTIC ENCEPHALOPATHY 42A; EPILEPTIC ENCEPHALOPATHY, EARLY INFANTILE, 42A. Identifiers: MedGen C4310716, MONDO:0014917, OMIM 617106.
Episodic ataxia type 2 (EA2). Also called: ATAXIA, EPISODIC, WITH NYSTAGMUS; ATAXIA, FAMILIAL PAROXYSMAL; CEREBELLAR ATAXIA, PAROXYSMAL, ACETAZOLAMIDE-RESPONSIVE; CEREBELLOPATHY, HEREDITARY PAROXYSMAL; EPISODIC ATAXIA, NYSTAGMUS-ASSOCIATED; ACETAZOLAMIDE-RESPONSIVE HEREDITARY PAROXYSMAL CEREBELLAR ATAXIA. Identifiers: Orphanet 97, MedGen C1720416, MONDO:0007163, OMIM 108500.

Allele frequency attached by ClinVar (database versions not stated): ExAC below 0.00001; gnomAD 0.00003 and 0.00004; TOPMed 0.00003; ESP Exome Variant Server 0.00017.
gnomAD v4.1: 48 of 1,559,928 alleles (0.0031%); highest among the groups gnomAD compares: Middle Eastern, 0.023%; no homozygotes.

Submissions (2):

Labcorp Genetics (formerly Invitae), Labcorp
Classification: Likely benign for Developmental and epileptic encephalopathy, 42; Episodic ataxia type 2. Last evaluated: 2025-10-06. Review status: criteria provided, single submitter. Criteria: Invitae Variant Classification Sherloc (09022015). Collection method: clinical testing. Allele origin: germline.

GeneDx
Classification: Likely benign. Last evaluated: 2017-04-20. Review status: criteria provided, single submitter. Criteria: GeneDx Variant Classification (06012015). Collection method: clinical testing. Allele origin: germline. Affected: yes.
Comment: This variant is considered likely benign or benign based on one or more of the following criteria: it is a conservative change, it occurs at a poorly conserved position in the protein, it is predicted to be benign by multiple in silico algorithms, and/or has population frequency not consistent with disease.